The following is an entry in ClinVar:

ClinVar aggregate classification (germline): Uncertain significance (1 of 4 stars; one submission).

Conditions:
RYR1-related disorder. Also called: RYR1-related condition; RYR1-related disorders. Identifiers: MedGen CN239331.

gnomAD v4.1: 2 of 1,614,060 alleles (0.00012%); highest among the groups gnomAD compares: Non-Finnish European, 0.00017%; no homozygotes.

Submission:

Labcorp Genetics (formerly Invitae), Labcorp
Classification: Uncertain significance for RYR1-related disorder. Last evaluated: 2021-07-20. Review status: criteria provided, single submitter. Criteria: Invitae Variant Classification Sherloc (09022015). Collection method: clinical testing. Allele origin: germline.
Comment: This sequence change replaces histidine with arginine at codon 4152 of the RYR1 protein (p.His4152Arg). The histidine residue is moderately conserved and there is a small physicochemical difference between histidine and arginine. This variant is not present in population databases (ExAC no frequency). This variant has not been reported in the literature in individuals affected with RYR1-related conditions. Advanced modeling of protein sequence and biophysical properties (such as structural, functional, and spatial information, amino acid conservation, physicochemical variation, residue mobility, and thermodynamic stability) performed at Invitae indicates that this missense variant is expected to disrupt RYR1 protein function. In summary, the available evidence is currently insufficient to determine the role of this variant in disease. Therefore, it has been classified as a Variant of Uncertain Significance.

NM_000540.3(RYR1):c.12455A>G (p.His4152Arg)

Gene: RYR1 (ryanodine receptor 1; plus strand). Cytogenetic location: 19q13.2.
Variant type: single nucleotide variant.
Coding change: c.12455A>G on transcript NM_000540.3 (MANE Select); coding-DNA position 12455, A replaced by G.
Protein change: p.His4152Arg; replaces histidine 4152 with arginine.
Molecular consequence: missense variant.
Genome position (GRCh38, 1-based): chr19:38,561,285, A>G. VCF-style: chr19-38561285-A-G. GRCh37 (hg19) VCF-style: chr19-39051925-A-G.
Other names: c.12440A>G, p.His4147Arg (NM_001042723.2); short protein forms H4147R, H4152R.
Identifiers: ClinVar variation 1960919 (VCV001960919.2), dbSNP rs776414556, ClinGen allele CA405669005.